The following is an entry in ClinVar:

ClinVar aggregate classification (germline): Pathogenic (1 of 4 stars; one submission).

Conditions:
Inborn genetic diseases. Identifiers: MedGen C0950123, MeSH D030342.

Submission:

Ambry Genetics
Classification: Pathogenic for Inborn genetic diseases. Review status: criteria provided, single submitter. Criteria: Ambry exome assertion method (8-5-2015). Collection method: clinical testing. Allele origin: germline. Affected: yes. Observed: 1 heterozygote.
Comment: POSITIVE: Relevant Alteration(s) Detected

Literature cited by the submitters: PubMed 25356970.

NM_001374828.1(ARID1B):c.4540_4541del (p.Met1514fs)

Gene: ARID1B (AT-rich interaction domain 1B; plus strand). Cytogenetic location: 6q25.3.
Variant type: Deletion.
Coding change: c.4540_4541del on transcript NM_001374828.1 (MANE Select); coding-DNA positions 4540 to 4541, 2 bases deleted (AT; older notation c.4540_4541delAT).
Protein change: p.Met1514fs; shifts the reading frame from methionine 1514.
Molecular consequence: frameshift variant.
Genome position (GRCh38, 1-based): chr6:157,200,765-157,200,766, AT deleted. VCF-style (leftmost placement, unchanged base first): chr6-157200764-CAT-C. GRCh37 (hg19) VCF-style: chr6-157521898-CAT-C.
Other names: c.4171_4172del, p.Met1391fs (NM_020732.3); c.2041_2042del, p.Met681fs (NM_001363725.2); c.4420_4421del, p.Met1474fs (NM_001371656.1, NM_001374820.1); c.4381_4382del, p.Met1461fs (NM_017519.3); short protein forms M681fs, M1391fs, M1461fs, M1474fs, M1514fs.
Identifiers: ClinVar variation 208654 (VCV000208654.2), dbSNP rs797044859, ClinGen allele CA204614.
Genomic context (GRCh38, chr6:157,200,764, plus strand): 5'-GAATTACAAACGCCATATGGACGGCATGTACGGGCCCCCAGCCAAGCGCCACGAGGGCGA[CAT>C]GTACAACATGCAGTACAGCAGCCAGCAGCAGGAGATGTACAACCAGTATGGAGGCTCCTA-3'